The following is an entry in ClinVar:

ClinVar aggregate classification (germline): Likely benign (1 of 4 stars; one submission).

Submission:

CeGaT Center for Human Genetics Tuebingen
Classification: Likely benign. Last evaluated: 2026-03-01. Review status: criteria provided, single submitter. Criteria: CeGaT Center For Human Genetics Tuebingen Variant Classification Criteria Version 2. Collection method: clinical testing. Allele origin: germline. Affected: yes. Observed: 1 variant allele.
Comment: SHANK3: BP4, BP7

NM_001372044.2(SHANK3):c.4359G>A (p.Thr1453=)

Gene: SHANK3 (SH3 and multiple ankyrin repeat domains 3; plus strand). Cytogenetic location: 22q13.33.
Variant type: single nucleotide variant.
Coding change: c.4359G>A on transcript NM_001372044.2 (MANE Select); coding-DNA position 4359, G replaced by A.
Protein change: p.Thr1453=; no amino-acid change (threonine 1453 retained).
Molecular consequence: synonymous variant.
Genome position (GRCh38, 1-based): chr22:50,721,967, G>A. VCF-style: chr22-50721967-G-A. GRCh37 (hg19) VCF-style: chr22-51160395-G-A.
Identifiers: ClinVar variation 4821061 (VCV004821061.4).